The following is an entry in ClinVar:

NM_000383.4(AIRE):c.226G>A (p.Asp76Asn)

Gene: AIRE (autoimmune regulator; plus strand). Cytogenetic location: 21q22.3.
Variant type: single nucleotide variant.
Coding change: c.226G>A on transcript NM_000383.4 (MANE Select); coding-DNA position 226, G replaced by A.
Protein change: p.Asp76Asn; replaces aspartic acid 76 with asparagine.
Molecular consequence: missense variant.
Genome position (GRCh38, 1-based): chr21:44,286,650, G>A. VCF-style: chr21-44286650-G-A. GRCh37 (hg19) VCF-style: chr21-45706533-G-A.
Other names: c.226G>A (NM_000383.2); short protein forms D76N.
Identifiers: ClinVar variation 458617 (VCV000458617.9), dbSNP rs146810389, ClinGen allele CA10051499.
Genomic context (GRCh38, chr21:44,286,650, plus strand): 5'-CCCCAGGCCTTCCACGCCCTCCTGTCCTGGCTGCTGACCCAGGACTCCACAGCCATCCTG[G>A]ACTTCTGGAGGGTGCTGTTCAAGGACTACAACCTGGAGCGCTATGGCCGGCTGCAGCCCA-3'
Protein context (NP_000374.1, residues 66-86): LLTQDSTAIL[Asp76Asn]FWRVLFKDYN

ClinVar aggregate classification (germline): Conflicting classifications of pathogenicity. Review status: criteria provided, conflicting classifications (1 of 4 stars). 5 submissions from 5 submitters: Uncertain significance (3); Likely benign (1). 1 of the submissions does not count toward it. Last evaluated 2025-08-20.

Conditions:
Inborn genetic diseases. Identifiers: MedGen C0950123, MeSH D030342.
Polyglandular autoimmune syndrome, type 1 (APS1). Also called: PGA I; Autoimmune polyendocrine syndrome type 1; AUTOIMMUNE POLYENDOCRINE SYNDROME, TYPE I, WITH OR WITHOUT REVERSIBLE METAPHYSEAL DYSPLASIA; APS I; HYPOADRENOCORTICISM WITH HYPOPARATHYROIDISM AND SUPERFICIAL MONILIASIS; Autoimmune polyendocrinopathy syndrome , type I, with or without reversible metaphyseal dysplasia. Identifiers: Orphanet 3453, MedGen C0085859, MONDO:0009411, OMIM 240300.

Allele frequency attached by ClinVar (database versions not stated): gnomAD exomes 0.00002 and 0.00006; ESP Exome Variant Server 0.00008; 1000 Genomes Project 0.00020; gnomAD 0.00021 and 0.00023; TOPMed 0.00022; 1000 Genomes Project 30x 0.00031.

Submissions (5):

Labcorp Genetics (formerly Invitae), Labcorp
Classification: Likely benign for Polyglandular autoimmune syndrome, type 1. Last evaluated: 2025-08-20. Review status: criteria provided, single submitter. Criteria: Invitae Variant Classification Sherloc (09022015). Collection method: clinical testing. Allele origin: germline.

GeneDx
Classification: Uncertain significance. Last evaluated: 2025-05-26. Review status: criteria provided, single submitter. Criteria: GeneDx Variant Classification Process June 2021. Collection method: clinical testing. Allele origin: germline. Affected: yes.
Comment: Has not been previously published as pathogenic or benign to our knowledge; In silico analysis suggests that this missense variant does not alter protein structure/function

Ambry Genetics
Classification: Uncertain significance for Inborn genetic diseases. Last evaluated: 2024-06-11. Review status: criteria provided, single submitter. Criteria: Ambry Variant Classification Scheme 2023. Collection method: clinical testing. Allele origin: germline.

Women's Health and Genetics/Laboratory Corporation of America, LabCorp
Classification: Uncertain significance. Last evaluated: 2018-08-31. Review status: criteria provided, single submitter. Criteria: LabCorp Variant Classification Summary - May 2015. Collection method: clinical testing. Allele origin: germline.
Comment: Variant summary: AIRE c.226G>A (p.Asp76Asn) results in a conservative amino acid change located in the HSR domain of the encoded protein sequence. Three of five in-silico tools predict a benign effect of the variant on protein function. The variant allele was found at a frequency of 7.9e-05 in 276948 control chromosomes. This frequency is not significantly higher than expected for a pathogenic variant in AIRE causing Autoimmune Polyglandular Syndrome Type 1 (7.9e-05 vs 0.0028), allowing no conclusion about variant significance. To our knowledge, no occurrence of c.226G>A in individuals affected with Autoimmune Polyglandular Syndrome Type 1 and no experimental evidence demonstrating its impact on protein function have been reported. A ClinVar submission from another clinical diagnostic laboratory (evaluation after 2014) cites the variant as uncertain significance. Based on the evidence outlined above, the variant was classified as uncertain significance.

Natera, Inc.
Classification: Uncertain significance for Polyglandular autoimmune syndrome type 1. Last evaluated: 2020-01-24. Review status: no assertion criteria provided. Collection method: clinical testing. Allele origin: germline. Not counted in ClinVar's aggregate classification.